The following is an entry in ClinVar:

ClinVar aggregate classification (germline): Likely benign (1 of 4 stars; one submission).

Allele frequency attached by ClinVar (database versions not stated): gnomAD exomes 0.00204; 1000 Genomes Project 30x 0.00031; 1000 Genomes Project 0.00040; ExAC 0.00117; TOPMed 0.00124; gnomAD 0.00135; ESP Exome Variant Server 0.00158.
gnomAD v4.1: 3,172 of 1,614,190 alleles (0.2%); highest among the groups gnomAD compares: Non-Finnish European, 0.24%; 9 homozygotes.

Submission:

CeGaT Center for Human Genetics Tuebingen
Classification: Likely benign. Last evaluated: 2022-12-01. Review status: criteria provided, single submitter. Criteria: CeGaT Center For Human Genetics Tuebingen Variant Classification Criteria Version 2. Collection method: clinical testing. Allele origin: germline. Affected: yes. Observed: 1 variant allele.
Comment: MYO5C: BP4, BS2

NM_018728.4(MYO5C):c.3922C>A (p.Gln1308Lys)

Gene: MYO5C (myosin VC; minus strand). Cytogenetic location: 15q21.2.
Variant type: single nucleotide variant.
Coding change: c.3922C>A on transcript NM_018728.4 (MANE Select); coding-DNA position 3922, C replaced by A.
Protein change: p.Gln1308Lys; replaces glutamine 1308 with lysine.
Molecular consequence: missense variant.
Genome position (GRCh38, 1-based): chr15:52,218,551, G>T on the plus strand (C>A on the coding strand, the complement: MYO5C is on the minus strand). VCF-style: chr15-52218551-G-T. GRCh37 (hg19) VCF-style: chr15-52510748-G-T.
Other names: short protein forms Q1308K.
Identifiers: ClinVar variation 2645351 (VCV002645351.24), dbSNP rs201307143, ClinGen allele CA7566435.